The following is an entry in ClinVar:

NM_004958.4(MTOR):c.7243A>G (p.Met2415Val)

Gene: MTOR (mechanistic target of rapamycin kinase; minus strand). Cytogenetic location: 1p36.22.
Variant type: single nucleotide variant.
Coding change: c.7243A>G on transcript NM_004958.4 (MANE Select); coding-DNA position 7243, A replaced by G.
Protein change: p.Met2415Val; replaces methionine 2415 with valine.
Molecular consequence: missense variant.
Genome position (GRCh38, 1-based): chr1:11,114,375, T>C on the plus strand (A>G on the coding strand, the complement: MTOR is on the minus strand). VCF-style: chr1-11114375-T-C. GRCh37 (hg19) VCF-style: chr1-11174432-T-C.
Other names: c.7243A>G, p.Met2415Val (NM_001386500.1); c.5995A>G, p.Met1999Val (NM_001386501.1); short protein forms M2415V, M1999V.
Identifiers: ClinVar variation 3633468 (VCV003633468.2).

ClinVar aggregate classification (germline): Uncertain significance (1 of 4 stars; one submission).

Submission:

Labcorp Genetics (formerly Invitae), Labcorp
Classification: Uncertain significance. Last evaluated: 2024-12-16. Review status: criteria provided, single submitter. Criteria: Invitae Variant Classification Sherloc (09022015). Collection method: clinical testing. Allele origin: germline.
Comment: This sequence change replaces methionine, which is neutral and non-polar, with valine, which is neutral and non-polar, at codon 2415 of the MTOR protein (p.Met2415Val). This variant is not present in population databases (gnomAD no frequency). This variant has not been reported in the literature in individuals affected with MTOR-related conditions. Invitae Evidence Modeling of protein sequence and biophysical properties (such as structural, functional, and spatial information, amino acid conservation, physicochemical variation, residue mobility, and thermodynamic stability) indicates that this missense variant is not expected to disrupt MTOR protein function with a negative predictive value of 95%. In summary, the available evidence is currently insufficient to determine the role of this variant in disease. Therefore, it has been classified as a Variant of Uncertain Significance.